The following is an entry in ClinVar:

ClinVar aggregate classification (germline): Uncertain significance (1 of 4 stars; one submission).

Conditions:
Primary dilated cardiomyopathy (DCM). Also called: Dilated Cardiomyopathy. Identifiers: Orphanet 217604, MedGen C0007193, MeSH D002311, MONDO:0005021, HP:0001644. Inheritance: Various modes of inheritance.

Submission:

Labcorp Genetics (formerly Invitae), Labcorp
Classification: Uncertain significance for Primary dilated cardiomyopathy. Last evaluated: 2023-04-16. Review status: criteria provided, single submitter. Criteria: Invitae Variant Classification Sherloc (09022015). Collection method: clinical testing. Allele origin: unknown.
Comment: In summary, the available evidence is currently insufficient to determine the role of this variant in disease. Therefore, it has been classified as a Variant of Uncertain Significance. This variant has not been reported in the literature in individuals affected with TXNRD2-related conditions. This variant is a gross deletion of the genomic region encompassing exon(s) 9-10 of the TXNRD2 gene. This deletion is out-of-frame, and is expected to create a premature translational stop signal and result in an absent or disrupted protein product. However, the current clinical and genetic evidence is not sufficient to establish whether loss-of-function variants in TXNRD2 cause disease.

NC_000022.10:g.(?_19885542)_(19886611_?)del

Gene: TXNRD2 (thioredoxin reductase 2; minus strand). Cytogenetic location: 22q11.21.
Variant type: Deletion.
Identifiers: ClinVar variation 3246971 (VCV003246971.1).